The following is an entry in ClinVar:

NM_003072.5(SMARCA4):c.4743C>T (p.Gly1581=)

Gene: SMARCA4 (SWI/SNF related BAF chromatin remodeling complex subunit ATPase 4; plus strand). Cytogenetic location: 19p13.2.
Variant type: single nucleotide variant.
Coding change: c.4743C>T on transcript NM_003072.5 (MANE Select); coding-DNA position 4743, C replaced by T.
Protein change: p.Gly1581=; no amino-acid change (glycine 1581 retained).
Molecular consequence: synonymous variant. On other transcripts: non-coding transcript variant (1).
Genome position (GRCh38, 1-based): chr19:11,059,860, C>T. VCF-style: chr19-11059860-C-T. GRCh37 (hg19) VCF-style: chr19-11170536-C-T.
Other names: c.4743C>T, p.Gly1581= (NM_001128844.3); c.4653C>T, p.Gly1551= (NM_001128845.2); c.4650C>T, p.Gly1550= (NM_001128846.2); c.4644C>T, p.Gly1548= (NM_001128847.4, NM_001374457.1); c.4641C>T, p.Gly1547= (NM_001128848.2); c.4839C>T, p.Gly1613= (NM_001128849.3, NM_001387283.1).
Identifiers: ClinVar variation 470422 (VCV000470422.24), dbSNP rs759862377, ClinGen allele CA305298938.
Genomic context (GRCh38, chr19:11,059,860, plus strand): 5'-GCAGAAAATCGAGAAGGAGGATGACAGTGAAGGCGAGGAGAGTGAGGAGGAGGAAGAGGG[C>T]GAGGAGGAAGGCTCCGAATCCGAATGTGAGTCCCGGGGGGGTTCAGGACGCCGGGGTTCA-3'
Protein context (NP_003063.2, residues 1571-1591): EGEESEEEEE[Gly1581=]EEEGSESESR

ClinVar aggregate classification (germline): Conflicting classifications of pathogenicity. Review status: criteria provided, conflicting classifications (1 of 4 stars). 5 submissions from 5 submitters: Uncertain significance (2); Likely benign (3). Last evaluated 2025-12-09.

Conditions:
Small cell carcinoma of the ovary, hypercalcemic type. Identifiers: MedGen C4013716.
Coffin-Siris syndrome. Identifiers: Orphanet 1465, MedGen C0265338, MONDO:0015452.
Intellectual disability, autosomal dominant 16 (CSS4). Also called: COFFIN-SIRIS SYNDROME 4. Identifiers: Orphanet 1465, MedGen C3553249, MONDO:0013821, OMIM 614609.
Hereditary cancer-predisposing syndrome. Also called: Hereditary neoplastic syndrome; Neoplastic Syndromes, Hereditary; Tumor predisposition; Hereditary Cancer Syndrome. Identifiers: Orphanet 140162, MedGen C0027672, MeSH D009386, MONDO:0015356.
Rhabdoid tumor predisposition syndrome 2 (RTPS2). Identifiers: Orphanet 231108, Orphanet 69077, MedGen C2750074, MONDO:0013224, OMIM 613325.

Allele frequency attached by ClinVar (database versions not stated): gnomAD 0.00001; gnomAD exomes 0.00001.
gnomAD v4.1: 22 of 1,613,670 alleles (0.0014%); highest among the groups gnomAD compares: South Asian, 0.0033%; no homozygotes.

Submissions (5):

Labcorp Genetics (formerly Invitae), Labcorp
Classification: Likely benign for Rhabdoid tumor predisposition syndrome 2. Last evaluated: 2025-12-09. Review status: criteria provided, single submitter. Criteria: Invitae Variant Classification Sherloc (09022015). Collection method: clinical testing. Allele origin: germline.

GeneDx
Classification: Uncertain significance. Last evaluated: 2025-03-05. Review status: criteria provided, single submitter. Criteria: GeneDx Variant Classification Process June 2021. Collection method: clinical testing. Allele origin: germline. Affected: yes.
Comment: Has not been previously published as pathogenic or benign to our knowledge; In silico analysis suggests this variant may impact gene splicing. In the absence of RNA/functional studies, the actual effect of this sequence change is unknown

Quest Diagnostics Nichols Institute San Juan Capistrano
Classification: Uncertain significance. Last evaluated: 2024-12-09. Review status: criteria provided, single submitter. Criteria: Quest Diagnostics criteria. Collection method: clinical testing. Allele origin: unknown.
Comment: The SMARCA4 c.4839C>T (p.Gly1613=) synonymous variant has not been reported in individuals with SMARCA4-related conditions in the published literature. The frequency of this variant in the general population (Genome Aggregation Database) is uninformative in the assessment of its pathogenicity. Analysis of this variant using software algorithms for the prediction of the effect of nucleotide changes on SMARCA4 mRNA splicing yielded predictions that this variant may result in the gain of a cryptic splice site without affecting the natural splice sites. Based on the available information, we are unable to determine the clinical significance of this variant.

Genome-Nilou Lab
Classification: Likely benign for Intellectual disability, autosomal dominant 16. Last evaluated: 2021-07-15. Review status: criteria provided, single submitter. Criteria: ACMG Guidelines, 2015. Collection method: clinical testing. Allele origin: germline. Affected: no.

Ambry Genetics
Classification: Likely benign for Hereditary cancer-predisposing syndrome. Last evaluated: 2016-06-18. Review status: criteria provided, single submitter. Criteria: Ambry Variant Classification Scheme 2023. Collection method: clinical testing. Allele origin: germline.